The following is an entry in ClinVar:

NM_001698.3(AUH):c.476C>G (p.Ser159Cys)

Gene: AUH (AU RNA binding methylglutaconyl-CoA hydratase; minus strand). Cytogenetic location: 9q22.31.
Variant type: single nucleotide variant.
Coding change: c.476C>G on transcript NM_001698.3 (MANE Select); coding-DNA position 476, C replaced by G.
Protein change: p.Ser159Cys; replaces serine 159 with cysteine.
Molecular consequence: missense variant. On other transcripts: intron variant (1).
Genome position (GRCh38, 1-based): chr9:91,325,347, G>C on the plus strand (C>G on the coding strand, the complement: AUH is on the minus strand). VCF-style: chr9-91325347-G-C. GRCh37 (hg19) VCF-style: chr9-94087629-G-C.
Other names: c.149C>G, p.Ser50Cys (NM_001351431.2, NM_001351432.2, NM_001351433.2); c.419-27271C>G (NM_001306190.2); short protein forms S50C, S159C.
Identifiers: ClinVar variation 1499518 (VCV001499518.7), dbSNP rs1282582845, ClinGen allele CA373837099.
Genomic context (GRCh38, chr9:91,325,347, plus strand): 5'-CATGCTGAAAGAAGAACTTAATAGTGCTTACCAATATCGTTAATCACTGCTCTTATTTTG[G>C]AGACAAAAGGACCAACTTCACTGGAACTCATTTTGGCTCTTTCCTTAAGGTCAGCACCTG-3'
Protein context (NP_001689.1, residues 149-169): MSSSEVGPFV[Ser159Cys]KIRAVINDIA

ClinVar aggregate classification (germline): Uncertain significance (1 of 4 stars; one submission).

Conditions:
3-methylglutaconic aciduria type 1 (MGCA1). Identifiers: Orphanet 67046, MedGen C0342727, MONDO:0009610, OMIM 250950.

Allele frequency attached by ClinVar (database versions not stated): gnomAD 0.00001; TOPMed 0.00001; gnomAD exomes 0.00001.
gnomAD v4.1: 18 of 1,613,678 alleles (0.0011%); highest among the groups gnomAD compares: Non-Finnish European, 0.0015%; no homozygotes.

Submission:

Labcorp Genetics (formerly Invitae), Labcorp
Classification: Uncertain significance for 3-methylglutaconic aciduria type 1. Last evaluated: 2024-10-08. Review status: criteria provided, single submitter. Criteria: Invitae Variant Classification Sherloc (09022015). Collection method: clinical testing. Allele origin: germline.
Comment: This sequence change replaces serine, which is neutral and polar, with cysteine, which is neutral and slightly polar, at codon 159 of the AUH protein (p.Ser159Cys). This variant is present in population databases (no rsID available, gnomAD 0.002%). This variant has not been reported in the literature in individuals affected with AUH-related conditions. ClinVar contains an entry for this variant (Variation ID: 1499518). Invitae Evidence Modeling of protein sequence and biophysical properties (such as structural, functional, and spatial information, amino acid conservation, physicochemical variation, residue mobility, and thermodynamic stability) indicates that this missense variant is expected to disrupt AUH protein function with a positive predictive value of 80%. In summary, the available evidence is currently insufficient to determine the role of this variant in disease. Therefore, it has been classified as a Variant of Uncertain Significance.